The following is an entry in ClinVar:

NM_001035.3(RYR2):c.3423+5G>A

Gene: RYR2 (ryanodine receptor 2; plus strand). Cytogenetic location: 1q43.
Variant type: single nucleotide variant.
Coding change: c.3423+5G>A on transcript NM_001035.3 (MANE Select); 5 bases into the intron after coding-DNA position 3423, G replaced by A.
Molecular consequence: intron variant.
Genome position (GRCh38, 1-based): chr1:237,566,780, G>A. VCF-style: chr1-237566780-G-A. GRCh37 (hg19) VCF-style: chr1-237730080-G-A.
Identifiers: ClinVar variation 2756802 (VCV002756802.3), dbSNP rs1672130052, ClinGen allele CA2487391375.

ClinVar aggregate classification (germline): Uncertain significance (1 of 4 stars; one submission).

Conditions:
Catecholaminergic polymorphic ventricular tachycardia 1. Also called: VENTRICULAR TACHYCARDIA, STRESS-INDUCED POLYMORPHIC 1; VENTRICULAR TACHYCARDIA, CATECHOLAMINERGIC POLYMORPHIC, 1, WITH OR WITHOUT ATRIAL DYSFUNCTION AND/OR DILATED CARDIOMYOPATHY; RYR2-Related Catecholaminergic Polymorphic Ventricular Tachycardia. Identifiers: Orphanet 3286, MedGen C1631597, MONDO:0011484, OMIM 604772.

Submission:

Labcorp Genetics (formerly Invitae), Labcorp
Classification: Uncertain significance for Catecholaminergic polymorphic ventricular tachycardia 1. Last evaluated: 2023-12-09. Review status: criteria provided, single submitter. Criteria: Invitae Variant Classification Sherloc (09022015). Collection method: clinical testing. Allele origin: germline.
Comment: This sequence change falls in intron 28 of the RYR2 gene. It does not directly change the encoded amino acid sequence of the RYR2 protein. It affects a nucleotide within the consensus splice site. This variant is not present in population databases (gnomAD no frequency). This variant has not been reported in the literature in individuals affected with RYR2-related conditions. Variants that disrupt the consensus splice site are a relatively common cause of aberrant splicing (PMID: 17576681, 9536098). Algorithms developed to predict the effect of sequence changes on RNA splicing suggest that this variant may disrupt the consensus splice site. In summary, the available evidence is currently insufficient to determine the role of this variant in disease. Therefore, it has been classified as a Variant of Uncertain Significance.

Literature cited by the submitters: PubMed 17576681; PubMed 9536098.